The following is an entry in ClinVar:

NC_000007.14:g.36389826G>T

Genes: ANLN (anillin, actin binding protein; plus strand), MATCAP2 (microtubule associated tyrosine carboxypeptidase 2; minus strand). Cytogenetic location: 7p14.2.
Variant type: single nucleotide variant.
Molecular consequence: intron variant (on NM_001100425.2).
Genome position: GRCh38 VCF-style: chr7-36389826-G-T. GRCh37 (hg19) VCF-style: chr7-36429435-G-T.
Other names: c.108+141C>A (NM_001100425.2).
Identifiers: ClinVar variation 2662490 (VCV002662490.1), dbSNP rs555444152, ClinGen allele CA157069367.

ClinVar aggregate classification (germline): Likely benign (1 of 4 stars; one submission).

Allele frequency attached by ClinVar (database versions not stated): 1000 Genomes Project 30x 0.00265; 1000 Genomes Project 0.00300.
gnomAD v4.1: 562 of 984,578 alleles (0.057%); highest among the groups gnomAD compares: African/African-American, 0.85%; 3 homozygotes.

Submission:

GeneDx
Classification: Likely benign. Last evaluated: 2022-01-01. Review status: criteria provided, single submitter. Criteria: GeneDx Variant Classification Process June 2021. Collection method: clinical testing. Allele origin: germline. Affected: yes.
Comment: See Variant Classification Assertion Criteria.